The following is an entry in ClinVar:

ClinVar aggregate classification (germline): Uncertain significance. Review status: criteria provided, multiple submitters, no conflicts (2 of 4 stars). 2 submissions from 2 submitters: Uncertain significance (2). Last evaluated 2024-10-29.

Conditions:
MEGF8-related Carpenter syndrome. Also called: Carpenter syndrome 2. Identifiers: Orphanet 65759, MedGen C3554247, MONDO:0013998, OMIM 614976.

gnomAD v4.1: 48 of 1,554,460 alleles (0.0031%); highest among the groups gnomAD compares: Admixed American, 0.0039%; no homozygotes.

Submissions (2):

Labcorp Genetics (formerly Invitae), Labcorp
Classification: Uncertain significance for MEGF8-related Carpenter syndrome. Last evaluated: 2024-10-29. Review status: criteria provided, single submitter. Criteria: Invitae Variant Classification Sherloc (09022015). Collection method: clinical testing. Allele origin: germline.
Comment: This sequence change replaces arginine, which is basic and polar, with cysteine, which is neutral and slightly polar, at codon 1763 of the MEGF8 protein (p.Arg1763Cys). The frequency data for this variant in the population databases is considered unreliable, as metrics indicate poor data quality at this position in the gnomAD database. This variant has not been reported in the literature in individuals affected with MEGF8-related conditions. An algorithm developed to predict the effect of missense changes on protein structure and function (PolyPhen-2) suggests that this variant is likely to be disruptive. In summary, the available evidence is currently insufficient to determine the role of this variant in disease. Therefore, it has been classified as a Variant of Uncertain Significance.

Blueprint Genetics
Classification: Uncertain significance. Last evaluated: 2024-03-06. Review status: criteria provided, single submitter. Criteria: ACMG Guidelines, 2015. Collection method: clinical testing. Allele origin: germline.

NM_001271938.2(MEGF8):c.5488C>T (p.Arg1830Cys)

Gene: MEGF8 (multiple EGF like domains 8; plus strand). Cytogenetic location: 19q13.2.
Variant type: single nucleotide variant.
Coding change: c.5488C>T on transcript NM_001271938.2 (MANE Select); coding-DNA position 5488, C replaced by T.
Protein change: p.Arg1830Cys; replaces arginine 1830 with cysteine.
Molecular consequence: missense variant.
Genome position (GRCh38, 1-based): chr19:42,359,242, C>T. VCF-style: chr19-42359242-C-T. GRCh37 (hg19) VCF-style: chr19-42863394-C-T.
Other names: c.5287C>T, p.Arg1763Cys (NM_001410.3); short protein forms R1830C, R1763C.
Identifiers: ClinVar variation 3705664 (VCV003705664.3).